The following is an entry in ClinVar:

ClinVar aggregate classification (germline): Uncertain significance. Review status: criteria provided, multiple submitters, no conflicts (2 of 4 stars). 2 submissions from 2 submitters: Uncertain significance (2). Last evaluated 2025-09-09.

Allele frequency attached by ClinVar (database versions not stated): gnomAD exomes 0.00001; TOPMed 0.00001.
gnomAD v4.1: 9 of 1,595,904 alleles (0.00056%); highest among the groups gnomAD compares: Admixed American, 0.01%; no homozygotes.

Submissions (2):

Ambry Genetics
Classification: Uncertain significance. Last evaluated: 2025-09-09. Review status: criteria provided, single submitter. Criteria: Ambry Variant Classification Scheme 2023. Collection method: clinical testing. Allele origin: germline.

Labcorp Genetics (formerly Invitae), Labcorp
Classification: Uncertain significance. Last evaluated: 2025-03-10. Review status: criteria provided, single submitter. Criteria: Invitae Variant Classification Sherloc (09022015). Collection method: clinical testing. Allele origin: germline.
Comment: This sequence change replaces tyrosine, which is neutral and polar, with cysteine, which is neutral and slightly polar, at codon 434 of the SPPL2A protein (p.Tyr434Cys). This variant is present in population databases (no rsID available, gnomAD 0.006%). This variant has not been reported in the literature in individuals affected with SPPL2A-related conditions. ClinVar contains an entry for this variant (Variation ID: 2173896). An algorithm developed to predict the effect of missense changes on protein structure and function (PolyPhen-2) suggests that this variant is likely to be tolerated. In summary, the available evidence is currently insufficient to determine the role of this variant in disease. Therefore, it has been classified as a Variant of Uncertain Significance.

NM_032802.4(SPPL2A):c.1301A>G (p.Tyr434Cys)

Gene: SPPL2A (signal peptide peptidase like 2A; minus strand). Cytogenetic location: 15q21.2.
Variant type: single nucleotide variant.
Coding change: c.1301A>G on transcript NM_032802.4 (MANE Select); coding-DNA position 1301, A replaced by G.
Protein change: p.Tyr434Cys; replaces tyrosine 434 with cysteine.
Molecular consequence: missense variant.
Genome position (GRCh38, 1-based): chr15:50,722,150, T>C on the plus strand (A>G on the coding strand, the complement: SPPL2A is on the minus strand). VCF-style: chr15-50722150-T-C. GRCh37 (hg19) VCF-style: chr15-51014347-T-C.
Other names: c.1301A>G (NM_032802.3); short protein forms Y434C.
Identifiers: ClinVar variation 2173896 (VCV002173896.5), dbSNP rs1296167278, ClinGen allele CA392408213.